The following is an entry in ClinVar:

ClinVar aggregate classification (germline): Likely benign. Review status: criteria provided, multiple submitters, no conflicts (2 of 4 stars). 3 submissions from 3 submitters: Likely benign (2). 1 of the submissions does not count toward it. Last evaluated 2025-01-23.

Conditions:
AIRE-related disorder. Also called: AIRE-related condition.
Polyglandular autoimmune syndrome, type 1 (APS1). Also called: Autoimmune polyendocrinopathy syndrome , type I, with or without reversible metaphyseal dysplasia; AUTOIMMUNE POLYENDOCRINE SYNDROME, TYPE I, WITH OR WITHOUT REVERSIBLE METAPHYSEAL DYSPLASIA; APS I; HYPOADRENOCORTICISM WITH HYPOPARATHYROIDISM AND SUPERFICIAL MONILIASIS; PGA I; Autoimmune polyendocrinopathy syndrome, type I. Identifiers: Orphanet 3453, MedGen C0085859, MONDO:0009411, OMIM 240300.

Allele frequency attached by ClinVar (database versions not stated): gnomAD 0.00007; ESP Exome Variant Server 0.00008; TOPMed 0.00009.
gnomAD v4.1: 35 of 1,580,304 alleles (0.0022%); highest among the groups gnomAD compares: African/African-American, 0.022%; no homozygotes.

Submissions (3):

Labcorp Genetics (formerly Invitae), Labcorp
Classification: Likely benign for Polyglandular autoimmune syndrome, type 1. Last evaluated: 2025-01-23. Review status: criteria provided, single submitter. Criteria: Invitae Variant Classification Sherloc (09022015). Collection method: clinical testing. Allele origin: germline.

Blueprint Genetics
Classification: Likely benign. Last evaluated: 2024-10-01. Review status: criteria provided, single submitter. Criteria: ACMG Guidelines, 2015. Collection method: clinical testing. Allele origin: germline.

PreventionGenetics, part of Exact Sciences
Classification: Likely benign for AIRE-related condition. Last evaluated: 2024-02-14. Review status: no assertion criteria provided. Collection method: clinical testing. Allele origin: germline. Not counted in ClinVar's aggregate classification.
Comment: This variant is classified as likely benign based on ACMG/AMP sequence variant interpretation guidelines (Richards et al. 2015 PMID: 25741868, with internal and published modifications).

NM_000383.4(AIRE):c.652+7G>A

Gene: AIRE (autoimmune regulator; plus strand). Cytogenetic location: 21q22.3.
Variant type: single nucleotide variant.
Coding change: c.652+7G>A on transcript NM_000383.4 (MANE Select); 7 bases into the intron after coding-DNA position 652, G replaced by A.
Molecular consequence: intron variant.
Genome position (GRCh38, 1-based): chr21:44,288,465, G>A. VCF-style: chr21-44288465-G-A. GRCh37 (hg19) VCF-style: chr21-45708348-G-A.
Other names: c.652+7G>A (NM_000383.3).
Identifiers: ClinVar variation 1127888 (VCV001127888.12), dbSNP rs373277723, ClinGen allele CA10051653.
Genomic context (GRCh38, chr21:44,288,465, plus strand): 5'-CGGGAGCCCGAGGGGCCGTGGAGGGGATCCTCATCCAGCAGGTGTTTGAGTCAGGTAGAC[G>A]CTGTGGCGGGGAGATGGGGCTGATGGGGAGACCCAGGCTCCAAGATGGAAGGAGGACCAC-3'